The following is an entry in ClinVar:

NC_000006.12:g.32038258T>A

Genes: CYP21A2 (cytochrome P450 family 21 subfamily A member 2; plus strand), LOC106780800 (CYP21A2 recombination region; plus strand), LOC110631417 (CYP21A2 5' regulatory region; plus strand). Cytogenetic location: 6p21.33.
Variant type: single nucleotide variant.
Genome position: GRCh38 VCF-style: chr6-32038258-T-A. GRCh37 (hg19) VCF-style: chr6-32006035-T-A.
Identifiers: ClinVar variation 4980082 (VCV004980082.1).

ClinVar aggregate classification (germline): Uncertain significance (1 of 4 stars; one submission).

Conditions:
CYP21A2-related disorder. Also called: CYP21A2-related condition.

Submission:

PreventionGenetics, part of Exact Sciences
Classification: Uncertain significance for CYP21A2-related condition. Last evaluated: 2026-01-16. Review status: criteria provided, single submitter. Criteria: ACMG Guidelines, 2015. Collection method: clinical testing. Allele origin: germline.
Comment: The CYP21A2 c.-165T>A variant is located in the 5' untranslated region. To our knowledge, this variant has not been reported in the literature or in a large population database (gnomAD), indicating this variant is rare. This variant falls within a highly paralogous region. Allele frequency data should be interpreted with caution. Of note, promoter variants in CYP21A2 have been reported to reduce transcriptional activities and therefore possibly associated to milder disease expressivity (see for example, Zhang et al. 2009. PubMed ID: 18702679; Araújo et al. 2007. PubMed ID: 17666484). At this time, the clinical significance of this variant is uncertain due to the absence of conclusive functional and genetic evidence.